The following is an entry in ClinVar:

NM_001114753.3(ENG):c.1894C>G (p.Pro632Ala)

Gene: ENG (endoglin; minus strand). Cytogenetic location: 9q34.11.
Variant type: single nucleotide variant.
Coding change: c.1894C>G on transcript NM_001114753.3 (MANE Select); coding-DNA position 1894, C replaced by G.
Protein change: p.Pro632Ala; replaces proline 632 with alanine.
Molecular consequence: missense variant. On other transcripts: 3 prime UTR variant (1).
Genome position (GRCh38, 1-based): chr9:127,815,765, G>C on the plus strand (C>G on the coding strand, the complement: ENG is on the minus strand). VCF-style: chr9-127815765-G-C. GRCh37 (hg19) VCF-style: chr9-130578044-G-C.
Other names: c.*152C>G (NM_000118.4); c.1348C>G, p.Pro450Ala (NM_001278138.2); short protein forms P632A, P450A.
Identifiers: ClinVar variation 4837013 (VCV004837013.1).

ClinVar aggregate classification (germline): Uncertain significance (1 of 4 stars; one submission).

Conditions:
Cardiovascular phenotype. Identifiers: MedGen CN230736.

Submission:

Ambry Genetics
Classification: Uncertain significance for Cardiovascular phenotype. Last evaluated: 2026-02-16. Review status: criteria provided, single submitter. Criteria: Ambry Variant Classification Scheme 2023. Collection method: clinical testing. Allele origin: germline.
Comment: The p.P632A variant (also known as c.1894C>G), located in coding exon 15 of the ENG gene, results from a C to G substitution at nucleotide position 1894. The proline at codon 632 is replaced by alanine, an amino acid with highly similar properties. This amino acid position is conserved. In addition, this alteration is predicted to be tolerated by in silico analysis. Based on the available evidence, the clinical significance of this variant remains unclear.